The following is an entry in ClinVar:

ClinVar aggregate classification (germline): Uncertain significance (1 of 4 stars; one submission).

Conditions:
Ataxia-telangiectasia syndrome (AT). Also called: Cerebello-oculocutaneous telangiectasia; Immunodeficiency with ataxia telangiectasia; Ataxia-telangiectasia, complementation group D; Ataxia telangiectasia (A-T); ATAXIA-TELANGIECTASIA, COMPLEMENTATION GROUP A; ATAXIA-TELANGIECTASIA, FRESNO VARIANT. Identifiers: Orphanet 100, MedGen C0004135, MONDO:0008840, OMIM 208900.

Submission:

Labcorp Genetics (formerly Invitae), Labcorp
Classification: Uncertain significance for Ataxia-telangiectasia syndrome. Last evaluated: 2024-04-30. Review status: criteria provided, single submitter. Criteria: Invitae Variant Classification Sherloc (09022015). Collection method: clinical testing. Allele origin: germline.
Comment: This sequence change replaces serine, which is neutral and polar, with cysteine, which is neutral and slightly polar, at codon 677 of the ATM protein (p.Ser677Cys). This variant is not present in population databases (gnomAD no frequency). This variant has not been reported in the literature in individuals affected with ATM-related conditions. ClinVar contains an entry for this variant (Variation ID: 2133955). An algorithm developed to predict the effect of missense changes on protein structure and function (PolyPhen-2) suggests that this variant is likely to be disruptive. In summary, the available evidence is currently insufficient to determine the role of this variant in disease. Therefore, it has been classified as a Variant of Uncertain Significance.

NM_000051.4(ATM):c.2029A>T (p.Ser677Cys)

Gene: ATM (ATM serine/threonine kinase; plus strand). Cytogenetic location: 11q22.3.
Variant type: single nucleotide variant.
Coding change: c.2029A>T on transcript NM_000051.4 (MANE Select); coding-DNA position 2029, A replaced by T.
Protein change: p.Ser677Cys; replaces serine 677 with cysteine.
Molecular consequence: missense variant.
Genome position (GRCh38, 1-based): chr11:108,253,944, A>T. VCF-style: chr11-108253944-A-T. GRCh37 (hg19) VCF-style: chr11-108124671-A-T.
Other names: c.2029A>T, p.Ser677Cys (NM_001351834.2); short protein forms S677C.
Identifiers: ClinVar variation 2133955 (VCV002133955.4), dbSNP rs568026188, ClinGen allele CA382537376.